The following is an entry in ClinVar:

ClinVar aggregate classification (germline): Pathogenic (1 of 4 stars; one submission).

gnomAD v4.1: 2 of 1,613,286 alleles (0.00012%); highest among the groups gnomAD compares: Non-Finnish European, 0.00017%; no homozygotes.

Submission:

Labcorp Genetics (formerly Invitae), Labcorp
Classification: Pathogenic. Last evaluated: 2025-01-15. Review status: criteria provided, single submitter. Criteria: Invitae Variant Classification Sherloc (09022015). Collection method: clinical testing. Allele origin: germline.
Comment: This sequence change creates a premature translational stop signal (p.Tyr411*) in the FOXRED1 gene. While this is not anticipated to result in nonsense mediated decay, it is expected to disrupt the last 76 amino acid(s) of the FOXRED1 protein. This variant is not present in population databases (gnomAD no frequency). This variant has not been reported in the literature in individuals affected with FOXRED1-related conditions. ClinVar contains an entry for this variant (Variation ID: 1946821). Experimental studies and prediction algorithms are not available or were not evaluated, and the functional significance of this variant is currently unknown. Algorithms developed to predict the effect of sequence changes on RNA splicing suggest that this variant may disrupt the consensus splice site. This variant disrupts a region of the FOXRED1 protein in which other variant(s) (p.Val421Met) have been determined to be pathogenic (PMID: 27215383, 32573669). This suggests that this is a clinically significant region of the protein, and that variants that disrupt it are likely to be disease-causing. For these reasons, this variant has been classified as Pathogenic.

Literature cited by the submitters: PubMed 27215383; PubMed 32573669.

NM_017547.4(FOXRED1):c.1233C>G (p.Tyr411Ter)

Gene: FOXRED1 (FAD dependent oxidoreductase domain containing 1; plus strand). Cytogenetic location: 11q24.2.
Variant type: single nucleotide variant.
Coding change: c.1233C>G on transcript NM_017547.4 (MANE Select); coding-DNA position 1233, C replaced by G.
Protein change: p.Tyr411Ter; replaces tyrosine 411 with a stop codon.
Molecular consequence: nonsense. On other transcripts: non-coding transcript variant (2).
Genome position (GRCh38, 1-based): chr11:126,277,461, C>G. VCF-style: chr11-126277461-C-G. GRCh37 (hg19) VCF-style: chr11-126147356-C-G.
Other names: short protein forms Y411*.
Identifiers: ClinVar variation 1946821 (VCV001946821.4), dbSNP rs754219853, ClinGen allele CA383231390.